The following is an entry in ClinVar:

NM_004974.4(KCNA2):c.622A>G (p.Ser208Gly)

Gene: KCNA2 (potassium voltage-gated channel subfamily A member 2; minus strand). Cytogenetic location: 1p13.3.
Variant type: single nucleotide variant.
Coding change: c.622A>G on transcript NM_004974.4 (MANE Select); coding-DNA position 622, A replaced by G.
Protein change: p.Ser208Gly; replaces serine 208 with glycine.
Molecular consequence: missense variant.
Genome position (GRCh38, 1-based): chr1:110,604,161, T>C on the plus strand (A>G on the coding strand, the complement: KCNA2 is on the minus strand). VCF-style: chr1-110604161-T-C. GRCh37 (hg19) VCF-style: chr1-111146783-T-C.
Other names: c.622A>G, p.Ser208Gly (NM_001204269.2); short protein forms S208G.
Identifiers: ClinVar variation 1986741 (VCV001986741.5), dbSNP rs2524620218, ClinGen allele CA341603583.

ClinVar aggregate classification (germline): Uncertain significance. Review status: criteria provided, multiple submitters, no conflicts (2 of 4 stars). 2 submissions from 2 submitters: Uncertain significance (2). Last evaluated 2025-07-28.

Conditions:
Developmental and epileptic encephalopathy, 32 (DEE32). Also called: Epileptic encephalopathy, early infantile, 32. Identifiers: Orphanet 442835, MedGen C4225350, MONDO:0014607, OMIM 616366.

Submissions (2):

3billion
Classification: Uncertain significance for Developmental and epileptic encephalopathy, 32. Last evaluated: 2025-07-28. Review status: criteria provided, single submitter. Criteria: ACMG Guidelines, 2015. Collection method: clinical testing. Allele origin: germline. Affected: yes.
Comment: The variant is not observed in the gnomAD v4.1.0 dataset. Predicted Consequence/Location: Missense variant. Missense changes are a common disease-causing mechanism. The variant has been reported as of uncertain significance (ClinVar ID: VCV001986741). Therefore, this variant is classified as VUS according to the recommendation of ACMG/AMP guideline.

Labcorp Genetics (formerly Invitae), Labcorp
Classification: Uncertain significance for Developmental and epileptic encephalopathy, 32. Last evaluated: 2022-02-02. Review status: criteria provided, single submitter. Criteria: Invitae Variant Classification Sherloc (09022015). Collection method: clinical testing. Allele origin: germline.
Comment: In summary, the available evidence is currently insufficient to determine the role of this variant in disease. Therefore, it has been classified as a Variant of Uncertain Significance. Advanced modeling of protein sequence and biophysical properties (such as structural, functional, and spatial information, amino acid conservation, physicochemical variation, residue mobility, and thermodynamic stability) performed at Invitae indicates that this missense variant is not expected to disrupt KCNA2 protein function. This variant has not been reported in the literature in individuals affected with KCNA2-related conditions. This variant is not present in population databases (gnomAD no frequency). This sequence change replaces serine, which is neutral and polar, with glycine, which is neutral and non-polar, at codon 208 of the KCNA2 protein (p.Ser208Gly).